The following is an entry in ClinVar:

ClinVar aggregate classification (germline): Uncertain significance (0 of 4 stars; one submission).

Conditions:
TBK1-related disorder. Also called: TBK1-related condition.

Submission:

PreventionGenetics, part of Exact Sciences
Classification: Uncertain significance for TBK1-related condition. Last evaluated: 2024-03-12. Review status: no assertion criteria provided. Collection method: clinical testing. Allele origin: germline.
Comment: The TBK1 c.293T>C variant is predicted to result in the amino acid substitution p.Leu98Ser. To our knowledge, this variant has not been reported in the literature or in a large population database, indicating this variant is rare. At this time, the clinical significance of this variant is uncertain due to the absence of conclusive functional and genetic evidence.

NM_013254.4(TBK1):c.293T>C (p.Leu98Ser)

Gene: TBK1 (TANK binding kinase 1; plus strand). Cytogenetic location: 12q14.2.
Variant type: single nucleotide variant.
Coding change: c.293T>C on transcript NM_013254.4 (MANE Select); coding-DNA position 293, T replaced by C.
Protein change: p.Leu98Ser; replaces leucine 98 with serine.
Molecular consequence: missense variant.
Genome position (GRCh38, 1-based): chr12:64,464,398, T>C. VCF-style: chr12-64464398-T-C. GRCh37 (hg19) VCF-style: chr12-64858178-T-C.
Other names: short protein forms L98S.
Identifiers: ClinVar variation 3349283 (VCV003349283.1).